The following is an entry in ClinVar:

NM_003072.5(SMARCA4):c.4509G>T (p.Lys1503Asn)

Gene: SMARCA4 (SWI/SNF related BAF chromatin remodeling complex subunit ATPase 4; plus strand). Cytogenetic location: 19p13.2.
Variant type: single nucleotide variant.
Coding change: c.4509G>T on transcript NM_003072.5 (MANE Select); coding-DNA position 4509, G replaced by T.
Protein change: p.Lys1503Asn; replaces lysine 1503 with asparagine.
Molecular consequence: missense variant. On other transcripts: non-coding transcript variant (1).
Genome position (GRCh38, 1-based): chr19:11,058,339, G>T. VCF-style: chr19-11058339-G-T. GRCh37 (hg19) VCF-style: chr19-11169015-G-T.
Other names: c.4509G>T, p.Lys1503Asn (NM_001128844.3); c.4419G>T, p.Lys1473Asn (NM_001128845.2); c.4416G>T, p.Lys1472Asn (NM_001128846.2); c.4410G>T, p.Lys1470Asn (NM_001128847.4, NM_001374457.1); c.4407G>T, p.Lys1469Asn (NM_001128848.2); c.4605G>T, p.Lys1535Asn (NM_001128849.3, NM_001387283.1); short protein forms K1472N, K1469N, K1470N, K1473N, K1503N, K1535N.
Identifiers: ClinVar variation 652493 (VCV000652493.11), dbSNP rs1600630618, ClinGen allele CA404077830.

ClinVar aggregate classification (germline): Uncertain significance. Review status: criteria provided, multiple submitters, no conflicts (2 of 4 stars). 2 submissions from 2 submitters: Uncertain significance (2). Last evaluated 2024-01-30.

Conditions:
Hereditary cancer-predisposing syndrome. Also called: Neoplastic Syndromes, Hereditary; Tumor predisposition; Hereditary Cancer Syndrome; Hereditary neoplastic syndrome. Identifiers: Orphanet 140162, MedGen C0027672, MeSH D009386, MONDO:0015356.
Rhabdoid tumor predisposition syndrome 2 (RTPS2). Identifiers: Orphanet 231108, Orphanet 69077, MedGen C2750074, MONDO:0013224, OMIM 613325.

Submissions (2):

Labcorp Genetics (formerly Invitae), Labcorp
Classification: Uncertain significance for Rhabdoid tumor predisposition syndrome 2. Last evaluated: 2024-01-30. Review status: criteria provided, single submitter. Criteria: Invitae Variant Classification Sherloc (09022015). Collection method: clinical testing. Allele origin: germline.
Comment: This sequence change replaces lysine, which is basic and polar, with asparagine, which is neutral and polar, at codon 1535 of the SMARCA4 protein (p.Lys1535Asn). This variant is not present in population databases (gnomAD no frequency). This variant has not been reported in the literature in individuals affected with SMARCA4-related conditions. ClinVar contains an entry for this variant (Variation ID: 652493). Advanced modeling of protein sequence and biophysical properties (such as structural, functional, and spatial information, amino acid conservation, physicochemical variation, residue mobility, and thermodynamic stability) performed at Invitae indicates that this missense variant is not expected to disrupt SMARCA4 protein function with a negative predictive value of 95%. In summary, the available evidence is currently insufficient to determine the role of this variant in disease. Therefore, it has been classified as a Variant of Uncertain Significance.

Ambry Genetics
Classification: Uncertain significance for Hereditary cancer-predisposing syndrome. Last evaluated: 2021-08-30. Review status: criteria provided, single submitter. Criteria: Ambry Variant Classification Scheme 2023. Collection method: clinical testing. Allele origin: germline.
Comment: The p.K1535N variant (also known as c.4605G>T), located in coding exon 31 of the SMARCA4 gene, results from a G to T substitution at nucleotide position 4605. The lysine at codon 1535 is replaced by asparagine, an amino acid with similar properties. This amino acid position is highly conserved in available vertebrate species. In addition, this alteration is predicted to be tolerated by in silico analysis. Missense and in-frame variants in SMARCA4 are known to cause neurodevelopmental disorders; however, such associations with rhabdoid tumor predisposition syndrome including small cell carcinoma of the ovary-hypercalcemic type (SCCOHT) are exceedingly rare (Kosho T et al. Am J Med Genet C Semin Med Genet. 2014 Sep;166C(3):262-75; Jelinic P et al. Nat Genet. 2014 May;46(5):424-6). Based on the supporting evidence, the association of this alteration with Coffin-Siris syndrome is unknown; however, the association of this alteration with rhabdoid tumor predisposition syndrome is unlikely.